The following is an entry in ClinVar:

NM_015466.4(PTPN23):c.3742T>G (p.Cys1248Gly)

Gene: PTPN23 (protein tyrosine phosphatase non-receptor type 23; plus strand). Cytogenetic location: 3p21.31.
Variant type: single nucleotide variant.
Coding change: c.3742T>G on transcript NM_015466.4 (MANE Select); coding-DNA position 3742, T replaced by G.
Protein change: p.Cys1248Gly; replaces cysteine 1248 with glycine.
Molecular consequence: missense variant.
Genome position (GRCh38, 1-based): chr3:47,411,540, T>G. VCF-style: chr3-47411540-T-G. GRCh37 (hg19) VCF-style: chr3-47453030-T-G.
Other names: c.3364T>G, p.Cys1122Gly (NM_001304482.2); short protein forms C1248G, C1122G.
Identifiers: ClinVar variation 1401910 (VCV001401910.8), dbSNP rs531808941, ClinGen allele CA73882563.

ClinVar aggregate classification (germline): Uncertain significance (1 of 4 stars; one submission).

Allele frequency attached by ClinVar (database versions not stated): TOPMed 0.00002.
gnomAD v4.1: 2 of 1,612,866 alleles (0.00012%); highest among the groups gnomAD compares: Non-Finnish European, 0.00017%; no homozygotes.

Submission:

Labcorp Genetics (formerly Invitae), Labcorp
Classification: Uncertain significance. Last evaluated: 2022-06-13. Review status: criteria provided, single submitter. Criteria: Invitae Variant Classification Sherloc (09022015). Collection method: clinical testing. Allele origin: germline.
Comment: In summary, the available evidence is currently insufficient to determine the role of this variant in disease. Therefore, it has been classified as a Variant of Uncertain Significance. Algorithms developed to predict the effect of missense changes on protein structure and function (SIFT, PolyPhen-2, Align-GVGD) all suggest that this variant is likely to be tolerated. This variant has not been reported in the literature in individuals affected with PTPN23-related conditions. This variant is not present in population databases (gnomAD no frequency). This sequence change replaces cysteine, which is neutral and slightly polar, with glycine, which is neutral and non-polar, at codon 1248 of the PTPN23 protein (p.Cys1248Gly).